The following is an entry in ClinVar:

NM_018834.6(MATR3):c.-56G>A

Gene: MATR3 (matrin 3; plus strand). Cytogenetic location: 5q31.2.
Variant type: single nucleotide variant.
Coding change: c.-56G>A on transcript NM_018834.6 (MANE Select); 56 bases upstream of the start codon, G replaced by A.
Molecular consequence: 5 prime UTR variant. On other transcripts: intron variant (2).
Genome position (GRCh38, 1-based): chr5:139,307,360, G>A. VCF-style: chr5-139307360-G-A. GRCh37 (hg19) VCF-style: chr5-138643049-G-A.
Other names: c.-56G>A (NM_001194954.2, NM_001194955.2, NM_199189.3); c.-102-7315G>A (NM_001282278.2); c.49-7315G>A (NM_001194956.2).
Identifiers: ClinVar variation 351118 (VCV000351118.6), dbSNP rs59033177, ClinGen allele CA10620304.

ClinVar aggregate classification (germline): Likely benign. Review status: criteria provided, multiple submitters, no conflicts (2 of 4 stars). 2 submissions from 2 submitters: Likely benign (2). Last evaluated 2017-04-27.

Conditions:
Amyotrophic lateral sclerosis type 21. Also called: VOCAL CORD AND PHARYNGEAL DYSFUNCTION WITH DISTAL MYOPATHY; MYOPATHY, DISTAL, 2. Identifiers: Orphanet 600, Orphanet 803, MedGen C3807521, MONDO:0011632, OMIM 606070.

Allele frequency attached by ClinVar (database versions not stated): gnomAD 0.01100 and 0.01187; TOPMed 0.01237; 1000 Genomes Project 0.01258; 1000 Genomes Project 30x 0.01405.
gnomAD v4.1: 3,016 of 1,565,612 alleles (0.19%); highest among the groups gnomAD compares: African/African-American, 3.7%; 59 homozygotes.

Submissions (2):

Illumina Laboratory Services, Illumina
Classification: Likely benign for Amyotrophic lateral sclerosis type 21. Last evaluated: 2017-04-27. Review status: criteria provided, single submitter. Criteria: ICSL Variant Classification Criteria 13 December 2019. Collection method: clinical testing. Allele origin: germline.
Comment: This variant was observed as part of a predisposition screen in an ostensibly healthy population. A literature search was performed for the gene, cDNA change, and amino acid change (where applicable). No publications were found based on this search. Allele frequency data from public databases allowed determination this variant is unlikely to cause disease. Therefore, this variant is classified as likely benign.

Breakthrough Genomics
Classification: Likely benign. Review status: criteria provided, single submitter. Criteria: ACMG Guidelines, 2015. Collection method: not provided. Allele origin: germline. Inheritance: Autosomal dominant inheritance. Affected: yes.